The following is an entry in ClinVar:

ClinVar aggregate classification (germline): Uncertain significance (1 of 4 stars; one submission).

Conditions:
Hypercholesterolemia, autosomal dominant, 3 (FHCL3). Also called: PCSK9-Related Familial Hypercholesterolemia, Autosomal Dominant; Familial Hypercholesterolemia, Autosomal Dominant, 3; Familial hypercholesterolemia 3. Identifiers: MedGen C1863551, MONDO:0011369, OMIM 603776.

Submission:

All of Us Research Program, National Institutes of Health
Classification: Uncertain significance for Hypercholesterolemia, autosomal dominant, 3. Last evaluated: 2023-04-27. Review status: criteria provided, single submitter. Criteria: ACMG Guidelines, 2015. Collection method: clinical testing. Allele origin: germline. Inheritance: Autosomal dominant inheritance. Observed: 2 variant alleles, 2 heterozygotes.
Comment: This missense variant replaces glutamine with proline at codon 621 of the PCSK9 protein. Computational prediction suggests that this variant may not impact protein structure and function (internally defined REVEL score threshold <= 0.5, PMID: 27666373). To our knowledge, functional studies have not been reported for this variant. This variant has not been reported in individuals affected with PCSK9-related disorders in the literature. This variant has not been identified in the general population by the Genome Aggregation Database (gnomAD). The available evidence is insufficient to determine the role of this variant in disease conclusively. Therefore, this variant is classified as a Variant of Uncertain Significance.

This study involves interpretation of variants in research participants for the purpose of population health screening. Participant phenotype was not available at the time of variant classification. Additional details can be found in publication PMID: 35346344, PMCID: PMC8962531

NM_174936.4(PCSK9):c.1862A>C (p.Gln621Pro)

Gene: PCSK9 (proprotein convertase subtilisin/kexin type 9; plus strand). Cytogenetic location: 1p32.3.
Variant type: single nucleotide variant.
Coding change: c.1862A>C on transcript NM_174936.4 (MANE Select); coding-DNA position 1862, A replaced by C.
Protein change: p.Gln621Pro; replaces glutamine 621 with proline.
Molecular consequence: missense variant. On other transcripts: non-coding transcript variant (8).
Genome position (GRCh38, 1-based): chr1:55,061,555, A>C. VCF-style: chr1-55061555-A-C. GRCh37 (hg19) VCF-style: chr1-55527228-A-C.
Other names: c.1985A>C, p.Gln662Pro (NM_001407240.1); c.1904A>C, p.Gln635Pro (NM_001407241.1); c.1865A>C, p.Gln622Pro (NM_001407242.1); c.1805A>C, p.Gln602Pro (NM_001407243.1); c.1688A>C, p.Gln563Pro (NM_001407244.1); c.1670A>C, p.Gln557Pro (NM_001407245.1); c.1487A>C, p.Gln496Pro (NM_001407246.1); c.1361A>C, p.Gln454Pro (NM_001407247.1); short protein forms Q454P, Q496P, Q557P, Q563P, Q602P, Q621P, Q622P, Q635P.
Identifiers: ClinVar variation 3070418 (VCV003070418.1), dbSNP rs2523278941, ClinGen allele CA340480528.